The following is an entry in ClinVar:

NM_016343.4(CENPF):c.7645C>A (p.Gln2549Lys)

Gene: CENPF (centromere protein F; plus strand). Cytogenetic location: 1q41.
Variant type: single nucleotide variant.
Coding change: c.7645C>A on transcript NM_016343.4 (MANE Select); coding-DNA position 7645, C replaced by A.
Protein change: p.Gln2549Lys; replaces glutamine 2549 with lysine.
Molecular consequence: missense variant.
Genome position (GRCh38, 1-based): chr1:214,647,215, C>A. VCF-style: chr1-214647215-C-A. GRCh37 (hg19) VCF-style: chr1-214820558-C-A.
Other names: short protein forms Q2549K.
Identifiers: ClinVar variation 2249196 (VCV002249196.24), dbSNP rs199813442, ClinGen allele CA1391156.

ClinVar aggregate classification (germline): Conflicting classifications of pathogenicity. Review status: criteria provided, conflicting classifications (1 of 4 stars). 2 submissions from 2 submitters: Uncertain significance (1); Likely benign (1). Last evaluated 2024-03-01.

Conditions:
Inborn genetic diseases. Identifiers: MedGen C0950123, MeSH D030342.

Allele frequency attached by ClinVar (database versions not stated): gnomAD 0.00015; TOPMed 0.00016.
gnomAD v4.1: 460 of 1,613,912 alleles (0.029%); highest among the groups gnomAD compares: Non-Finnish European, 0.036%; no homozygotes.

Submissions (2):

CeGaT Center for Human Genetics Tuebingen
Classification: Likely benign. Last evaluated: 2024-03-01. Review status: criteria provided, single submitter. Criteria: CeGaT Center For Human Genetics Tuebingen Variant Classification Criteria Version 2. Collection method: clinical testing. Allele origin: germline. Affected: yes. Observed: 1 variant allele.
Comment: CENPF: BP4

Ambry Genetics
Classification: Uncertain significance for Inborn genetic diseases. Last evaluated: 2021-08-02. Review status: criteria provided, single submitter. Criteria: Ambry Variant Classification Scheme 2023. Collection method: clinical testing. Allele origin: germline.